The following is an entry in ClinVar:

ClinVar aggregate classification (germline): Uncertain significance (1 of 4 stars; one submission).

gnomAD v4.1: 1 of 1,519,862 alleles (0.000066%); highest among the groups gnomAD compares: Non-Finnish European, 0.000089%; no homozygotes.

Submission:

GeneDx
Classification: Uncertain significance. Last evaluated: 2023-03-17. Review status: criteria provided, single submitter. Criteria: GeneDx Variant Classification Process June 2021. Collection method: clinical testing. Allele origin: germline. Affected: yes.
Comment: Not observed at significant frequency in large population cohorts (gnomAD); In silico analysis supports that this missense variant does not alter protein structure/function; Has not been previously published as pathogenic or benign to our knowledge

NM_004667.6(HERC2):c.12406C>A (p.Leu4136Met)

Gene: HERC2 (HECT and RLD domain containing E3 ubiquitin protein ligase 2; minus strand). Cytogenetic location: 15q13.1.
Variant type: single nucleotide variant.
Coding change: c.12406C>A on transcript NM_004667.6 (MANE Select); coding-DNA position 12406, C replaced by A.
Protein change: p.Leu4136Met; replaces leucine 4136 with methionine.
Molecular consequence: missense variant.
Genome position (GRCh38, 1-based): chr15:28,132,655, G>T on the plus strand (C>A on the coding strand, the complement: HERC2 is on the minus strand). VCF-style: chr15-28132655-G-T. GRCh37 (hg19) VCF-style: chr15-28377801-G-T.
Other names: short protein forms L4136M.
Identifiers: ClinVar variation 2444618 (VCV002444618.1), dbSNP rs1405930417, ClinGen allele CA391377276.